The following is an entry in ClinVar:

NM_018834.6(MATR3):c.2282A>G (p.Asn761Ser)

Gene: MATR3 (matrin 3; plus strand). Cytogenetic location: 5q31.2.
Variant type: single nucleotide variant.
Coding change: c.2282A>G on transcript NM_018834.6 (MANE Select); coding-DNA position 2282, A replaced by G.
Protein change: p.Asn761Ser; replaces asparagine 761 with serine.
Molecular consequence: missense variant.
Genome position (GRCh38, 1-based): chr5:139,325,573, A>G. VCF-style: chr5-139325573-A-G. GRCh37 (hg19) VCF-style: chr5-138661262-A-G.
Other names: c.2282A>G, p.Asn761Ser (NM_001194954.2, NM_001194955.2, NM_199189.3); c.1418A>G, p.Asn473Ser (NM_001194956.2); c.1268A>G, p.Asn423Ser (NM_001282278.2); short protein forms N761S, N473S, N423S.
Identifiers: ClinVar variation 581337 (VCV000581337.14), dbSNP rs758675030, ClinGen allele CA3433410.

ClinVar aggregate classification (germline): Uncertain significance. Review status: criteria provided, multiple submitters, no conflicts (2 of 4 stars). 3 submissions from 3 submitters: Uncertain significance (3). Last evaluated 2026-01-07.

Conditions:
Amyotrophic lateral sclerosis type 21. Also called: MYOPATHY, DISTAL, 2; VOCAL CORD AND PHARYNGEAL DYSFUNCTION WITH DISTAL MYOPATHY. Identifiers: Orphanet 600, Orphanet 803, MedGen C3807521, MONDO:0011632, OMIM 606070.
Inborn genetic diseases. Identifiers: MedGen C0950123, MeSH D030342.

Allele frequency attached by ClinVar (database versions not stated): ExAC 0.00002; gnomAD exomes 0.00002 and 0.00003; gnomAD 0.00003; TOPMed 0.00003.
gnomAD v4.1: 30 of 1,614,078 alleles (0.0019%); highest among the groups gnomAD compares: Non-Finnish European, 0.00025%; no homozygotes.

Submissions (3):

Labcorp Genetics (formerly Invitae), Labcorp
Classification: Uncertain significance for Amyotrophic lateral sclerosis type 21. Last evaluated: 2026-01-07. Review status: criteria provided, single submitter. Criteria: Invitae Variant Classification Sherloc (09022015). Collection method: clinical testing. Allele origin: germline.
Comment: This sequence change replaces asparagine, which is neutral and polar, with serine, which is neutral and polar, at codon 761 of the MATR3 protein (p.Asn761Ser). This variant is present in population databases (rs758675030, gnomAD 0.06%). This variant has not been reported in the literature in individuals affected with MATR3-related conditions. ClinVar contains an entry for this variant (Variation ID: 581337). Invitae Evidence Modeling of protein sequence and biophysical properties (such as structural, functional, and spatial information, amino acid conservation, physicochemical variation, residue mobility, and thermodynamic stability) indicates that this missense variant is not expected to disrupt MATR3 protein function with a negative predictive value of 80%. In summary, the available evidence is currently insufficient to determine the role of this variant in disease. Therefore, it has been classified as a Variant of Uncertain Significance.

Ambry Genetics
Classification: Uncertain significance for Inborn genetic diseases. Last evaluated: 2025-05-16. Review status: criteria provided, single submitter. Criteria: Ambry Variant Classification Scheme 2023. Collection method: clinical testing. Allele origin: germline.

Revvity Omics, Revvity
Classification: Uncertain significance for Amyotrophic lateral sclerosis type 21. Last evaluated: 2019-03-21. Review status: criteria provided, single submitter. Criteria: ACMG Guidelines, 2015. Collection method: clinical testing. Allele origin: germline.